The following is an entry in ClinVar:

ClinVar aggregate classification (germline): Conflicting classifications of pathogenicity. Review status: criteria provided, conflicting classifications (1 of 4 stars). 4 submissions from 4 submitters: Uncertain significance (3); Likely benign (1). Last evaluated 2025-03-01.

Conditions:
Hereditary cancer-predisposing syndrome. Also called: Neoplastic Syndromes, Hereditary; Tumor predisposition; Hereditary neoplastic syndrome; Hereditary Cancer Syndrome. Identifiers: Orphanet 140162, MedGen C0027672, MeSH D009386, MONDO:0015356.
Hereditary breast ovarian cancer syndrome. Also called: Hereditary breast and ovarian cancer syndrome; Hereditary breast and ovarian cancer; Hereditary breast and ovarian cancer syndrome (HBOC); Breast and ovarian cancer; Hereditary breast and/or ovarian cancer syndrome; BRCA1- and BRCA2-Associated Hereditary Breast and Ovarian Cancer. Identifiers: Orphanet 145, MedGen C0677776, MeSH D061325, MONDO:0003582. Disease mechanism: loss of function.

Allele frequency attached by ClinVar (database versions not stated): gnomAD exomes below 0.00001.
gnomAD v4.1: 2 of 1,614,148 alleles (0.00012%); highest among the groups gnomAD compares: Non-Finnish European, 0.00017%; no homozygotes.

Submissions (4):

Ambry Genetics
Classification: Uncertain significance for Hereditary cancer-predisposing syndrome. Last evaluated: 2025-03-01. Review status: criteria provided, single submitter. Criteria: Ambry Variant Classification Scheme 2023. Collection method: clinical testing. Allele origin: germline.
Comment: The p.D396V variant (also known as c.1187A>T), located in coding exon 9 of the BRCA1 gene, results from an A to T substitution at nucleotide position 1187. The aspartic acid at codon 396 is replaced by valine, an amino acid with highly dissimilar properties. This amino acid position is not well conserved in available vertebrate species. In addition, this alteration is predicted to be deleterious by in silico analysis. Since supporting evidence is limited at this time, the clinical significance of this alteration remains unclear.

University of Washington Department of Laboratory Medicine, University of Washington
Classification: Likely benign for Hereditary cancer-predisposing syndrome. Last evaluated: 2023-03-23. Review status: criteria provided, single submitter. Criteria: Dines et al. (Genet Med. 2020). Collection method: curation. Allele origin: germline.
Comment: Missense variant in a coldspot region where missense variants are very unlikely to be pathogenic (PMID:31911673).

BRCA1 coldspot (exon 11 using historical exon numbering). Reclassification based on statistical prior probability

Labcorp Genetics (formerly Invitae), Labcorp
Classification: Uncertain significance for Hereditary breast ovarian cancer syndrome. Last evaluated: 2022-02-21. Review status: criteria provided, single submitter. Criteria: Invitae Variant Classification Sherloc (09022015). Collection method: clinical testing. Allele origin: germline.
Comment: This sequence change replaces aspartic acid, which is acidic and polar, with valine, which is neutral and non-polar, at codon 396 of the BRCA1 protein (p.Asp396Val). In summary, the available evidence is currently insufficient to determine the role of this variant in disease. Therefore, it has been classified as a Variant of Uncertain Significance. Advanced modeling of protein sequence and biophysical properties (such as structural, functional, and spatial information, amino acid conservation, physicochemical variation, residue mobility, and thermodynamic stability) performed at Invitae indicates that this missense variant is not expected to disrupt BRCA1 protein function. ClinVar contains an entry for this variant (Variation ID: 629134). This variant has not been reported in the literature in individuals affected with BRCA1-related conditions. This variant is not present in population databases (gnomAD no frequency).

Color Diagnostics, LLC DBA Color Health
Classification: Uncertain significance for Hereditary cancer-predisposing syndrome. Last evaluated: 2019-04-08. Review status: criteria provided, single submitter. Criteria: ACMG Guidelines, 2015. Collection method: clinical testing. Allele origin: germline.

NM_007294.4(BRCA1):c.1187A>T (p.Asp396Val)

Gene: BRCA1 (BRCA1 DNA repair associated; minus strand). Cytogenetic location: 17q21.31.
Variant type: single nucleotide variant.
Coding change: c.1187A>T on transcript NM_007294.4 (MANE Select); coding-DNA position 1187, A replaced by T.
Protein change: p.Asp396Val; replaces aspartic acid 396 with valine.
Molecular consequence: missense variant. On other transcripts: intron variant (137).
Genome position (GRCh38, 1-based): chr17:43,094,344, T>A on the plus strand (A>T on the coding strand, the complement: BRCA1 is on the minus strand). VCF-style: chr17-43094344-T-A. GRCh37 (hg19) VCF-style: chr17-41246361-T-A.
Other names: c.1043A>T, p.Asp348Val (NM_001407740.1, NM_001407741.1, NM_001407742.1 and 20 more transcripts); c.1046A>T, p.Asp349Val (NM_001407750.1, NM_001407751.1, NM_001407752.1 and 29 more transcripts); c.974A>T, p.Asp325Val (NM_001407853.1, NM_001407894.1, NM_001407895.1 and 9 more transcripts); c.1187A>T, p.Asp396Val (NM_001407854.1, NM_001407858.1, NM_001407859.1 and 30 more transcripts); c.1184A>T, p.Asp395Val (NM_001407860.1, NM_001407861.1, NM_001407587.1 and 22 more transcripts); c.986A>T, p.Asp329Val (NM_001407862.1); c.1064A>T, p.Asp355Val (NM_001407863.1, NM_001407919.1, NM_001407937.1 and 19 more transcripts); c.983A>T, p.Asp328Val (NM_001407874.1, NM_001407875.1); and 40 more; short protein forms D396V, D349V, D268V, D325V, D355V, D395V, D228V, D269V.
Identifiers: ClinVar variation 629134 (VCV000629134.15), dbSNP rs1555592280, ClinGen allele CA10599676.